The following is an entry in ClinVar:

NM_002473.6(MYH9):c.4800C>T (p.Asp1600=)

Gene: MYH9 (myosin heavy chain 9; minus strand). Cytogenetic location: 22q12.3.
Variant type: single nucleotide variant.
Coding change: c.4800C>T on transcript NM_002473.6 (MANE Select); coding-DNA position 4800, C replaced by T.
Protein change: p.Asp1600=; no amino-acid change (aspartic acid 1600 retained).
Molecular consequence: synonymous variant.
Genome position (GRCh38, 1-based): chr22:36,288,384, G>A on the plus strand (C>T on the coding strand, the complement: MYH9 is on the minus strand). VCF-style: chr22-36288384-G-A. GRCh37 (hg19) VCF-style: chr22-36684430-G-A.
Identifiers: ClinVar variation 667129 (VCV000667129.13), dbSNP rs201223994, ClinGen allele CA10209281.

ClinVar aggregate classification (germline): Likely benign. Review status: criteria provided, multiple submitters, no conflicts (2 of 4 stars). 3 submissions from 3 submitters: Likely benign (3). Last evaluated 2026-01-24.

Allele frequency attached by ClinVar (database versions not stated): TOPMed 0.00003; gnomAD 0.00005; gnomAD exomes 0.00006; ExAC 0.00007; ESP Exome Variant Server 0.00008; 1000 Genomes Project 30x 0.00031; 1000 Genomes Project 0.00040.
gnomAD v4.1: 162 of 1,612,696 alleles (0.01%); highest among the groups gnomAD compares: Middle Eastern, 0.033%; no homozygotes.

Submissions (3):

Labcorp Genetics (formerly Invitae), Labcorp
Classification: Likely benign. Last evaluated: 2026-01-24. Review status: criteria provided, single submitter. Criteria: Invitae Variant Classification Sherloc (09022015). Collection method: clinical testing. Allele origin: germline.

Blueprint Genetics
Classification: Likely benign. Last evaluated: 2022-03-17. Review status: criteria provided, single submitter. Criteria: ACMG Guidelines, 2015. Collection method: clinical testing. Allele origin: germline.

Laboratory for Molecular Medicine, Mass General Brigham Personalized Medicine
Classification: Likely benign. Last evaluated: 2012-04-30. Review status: criteria provided, single submitter. Criteria: LMM Criteria. Collection method: clinical testing. Allele origin: germline. Observed: 1 variant allele.
Comment: Asp1600Asp in Exon 34 of MYH9: This variant is not expected to have clinical sig nificance because it does not alter an amino acid residue, is not located within the splice consensus sequence, and has been identified in 1/7020 European Ameri can chromosomes from a broad population by the NHLBI Exome Sequencing Project.